The following is an entry in ClinVar:

NM_001082538.3(TCTN1):c.1603A>G (p.Thr535Ala)

Gene: TCTN1 (tectonic family member 1; plus strand). Cytogenetic location: 12q24.11.
Variant type: single nucleotide variant.
Coding change: c.1603A>G on transcript NM_001082538.3 (MANE Select); coding-DNA position 1603, A replaced by G.
Protein change: p.Thr535Ala; replaces threonine 535 with alanine.
Molecular consequence: missense variant. On other transcripts: non-coding transcript variant (1).
Genome position (GRCh38, 1-based): chr12:110,647,304, A>G. VCF-style: chr12-110647304-A-G. GRCh37 (hg19) VCF-style: chr12-111085109-A-G.
Other names: c.1588A>G, p.Thr530Ala (NM_001082537.3); c.1420A>G, p.Thr474Ala (NM_001173975.3); c.1276A>G, p.Thr426Ala (NM_001173976.2); c.1441A>G, p.Thr481Ala (NM_001319680.2); c.1054A>G, p.Thr352Ala (NM_001319681.2); c.1546A>G, p.Thr516Ala (NM_024549.6); short protein forms T352A, T426A, T474A, T481A, T516A, T530A, T535A.
Identifiers: ClinVar variation 3756837 (VCV003756837.2).

ClinVar aggregate classification (germline): Uncertain significance (1 of 4 stars; one submission).

Conditions:
Joubert syndrome. Also called: CEREBELLOPARENCHYMAL DISORDER IV; JOUBERT-BOLTSHAUSER SYNDROME; Familial aplasia of the vermis. Identifiers: Orphanet 475, MedGen C5979921, MONDO:0018772.
Meckel-Gruber syndrome. Also called: DYSENCEPHALIA SPLANCHNOCYSTICA; GRUBER SYNDROME; Dysencephalia splachnocystica. Identifiers: Orphanet 564, MedGen C0265215, MONDO:0018921.

gnomAD v4.1: 1 of 1,614,242 alleles (0.000062%); no homozygotes.

Submission:

Labcorp Genetics (formerly Invitae), Labcorp
Classification: Uncertain significance for Joubert syndrome; Meckel-Gruber syndrome. Last evaluated: 2024-06-15. Review status: criteria provided, single submitter. Criteria: Invitae Variant Classification Sherloc (09022015). Collection method: clinical testing. Allele origin: germline.
Comment: This sequence change replaces threonine, which is neutral and polar, with alanine, which is neutral and non-polar, at codon 535 of the TCTN1 protein (p.Thr535Ala). This variant is not present in population databases (gnomAD no frequency). This variant has not been reported in the literature in individuals affected with TCTN1-related conditions. Algorithms developed to predict the effect of missense changes on protein structure and function output the following: SIFT: "Not Available"; PolyPhen-2: "Benign"; Align-GVGD: "Not Available". The alanine amino acid residue is found in multiple mammalian species, which suggests that this missense change does not adversely affect protein function. In summary, the available evidence is currently insufficient to determine the role of this variant in disease. Therefore, it has been classified as a Variant of Uncertain Significance.